The following is an entry in ClinVar:

ClinVar aggregate classification (germline): Uncertain significance (1 of 4 stars; one submission).

Conditions:
Fanconi anemia (FA). Also called: Fanconi's anemia. Identifiers: Orphanet 84, MedGen C0015625, MeSH D005199, MONDO:0019391.

Submission:

Labcorp Genetics (formerly Invitae), Labcorp
Classification: Uncertain significance for Fanconi anemia. Last evaluated: 2025-06-17. Review status: criteria provided, single submitter. Criteria: Invitae Variant Classification Sherloc (09022015). Collection method: clinical testing. Allele origin: germline.
Comment: This sequence change replaces glutamine, which is neutral and polar, with histidine, which is basic and polar, at codon 1519 of the SLX4 protein (p.Gln1519His). This variant is not present in population databases (gnomAD no frequency). This variant has not been reported in the literature in individuals affected with SLX4-related conditions. An algorithm developed to predict the effect of missense changes on protein structure and function (PolyPhen-2) suggests that this variant is likely to be disruptive. In summary, the available evidence is currently insufficient to determine the role of this variant in disease. Therefore, it has been classified as a Variant of Uncertain Significance.

NM_032444.4(SLX4):c.4557G>C (p.Gln1519His)

Gene: SLX4 (SLX4 structure-specific endonuclease subunit; minus strand). Cytogenetic location: 16p13.3.
Variant type: single nucleotide variant.
Coding change: c.4557G>C on transcript NM_032444.4 (MANE Select); coding-DNA position 4557, G replaced by C.
Protein change: p.Gln1519His; replaces glutamine 1519 with histidine.
Molecular consequence: missense variant.
Genome position (GRCh38, 1-based): chr16:3,589,081, C>G on the plus strand (G>C on the coding strand, the complement: SLX4 is on the minus strand). VCF-style: chr16-3589081-C-G. GRCh37 (hg19) VCF-style: chr16-3639082-C-G.
Other names: short protein forms Q1519H.
Identifiers: ClinVar variation 4752537 (VCV004752537.1).
Genomic context (GRCh38, chr16:3,589,081, plus strand): 5'-GGGCTTCTGAGCTCCACCAGCGCTTGGCATCTGGGCCGGAGGAGGGGTCTCTGGAGGCCT[C>G]TGCTCTTCCCCGTCCCAAACGTCCCACAGAGCCGAATTCAGAAAGCTCGGCCTGCTATTC-3'
Protein context (NP_115820.2, residues 1509-1529): ALWDVWDGEE[Gln1519His]RPPETPPPAQ